The following is an entry in ClinVar:

ClinVar aggregate classification (germline): Uncertain significance (1 of 4 stars; one submission).

Conditions:
Aicardi-Goutieres syndrome 7 (AGS7). Identifiers: Orphanet 51, MedGen C3888244, MONDO:0014367, OMIM 615846.
Singleton-Merten syndrome 1 (SGMRT1). Also called: Widened medullary cavities of bone, aortic calcification, abnormal dentition, and muscular weakness; Syndrome of widened medullary cavities of the metacarpals and phalanges, aortic calcification and abnormal dentition. Identifiers: Orphanet 85191, MedGen C4225427, MONDO:0024535, OMIM 182250.

Submission:

Labcorp Genetics (formerly Invitae), Labcorp
Classification: Uncertain significance for Aicardi-Goutieres syndrome 7; Singleton-Merten syndrome 1. Last evaluated: 2023-07-16. Review status: criteria provided, single submitter. Criteria: Invitae Variant Classification Sherloc (09022015). Collection method: clinical testing. Allele origin: germline.
Comment: In summary, the available evidence is currently insufficient to determine the role of this variant in disease. Therefore, it has been classified as a Variant of Uncertain Significance. Advanced modeling of protein sequence and biophysical properties (such as structural, functional, and spatial information, amino acid conservation, physicochemical variation, residue mobility, and thermodynamic stability) has been performed at Invitae for this missense variant, however the output from this modeling did not meet the statistical confidence thresholds required to predict the impact of this variant on IFIH1 protein function. This variant has not been reported in the literature in individuals affected with IFIH1-related conditions. This variant is not present in population databases (gnomAD no frequency). This sequence change replaces aspartic acid, which is acidic and polar, with valine, which is neutral and non-polar, at codon 643 of the IFIH1 protein (p.Asp643Val).

NM_022168.4(IFIH1):c.1928A>T (p.Asp643Val)

Gene: IFIH1 (interferon induced with helicase C domain 1; minus strand). Cytogenetic location: 2q24.2.
Variant type: single nucleotide variant.
Coding change: c.1928A>T on transcript NM_022168.4 (MANE Select); coding-DNA position 1928, A replaced by T.
Protein change: p.Asp643Val; replaces aspartic acid 643 with valine.
Molecular consequence: missense variant.
Genome position (GRCh38, 1-based): chr2:162,277,531, T>A on the plus strand (A>T on the coding strand, the complement: IFIH1 is on the minus strand). VCF-style: chr2-162277531-T-A. GRCh37 (hg19) VCF-style: chr2-163134041-T-A.
Other names: short protein forms D643V.
Identifiers: ClinVar variation 2949940 (VCV002949940.3), dbSNP rs1682718875, ClinGen allele CA348999001.